The following is an entry in ClinVar:

NM_005562.3(LAMC2):c.832G>C (p.Gly278Arg)

Gene: LAMC2 (laminin subunit gamma 2; plus strand). Cytogenetic location: 1q25.3.
Variant type: single nucleotide variant.
Coding change: c.832G>C on transcript NM_005562.3 (MANE Select); coding-DNA position 832, G replaced by C.
Protein change: p.Gly278Arg; replaces glycine 278 with arginine.
Molecular consequence: missense variant.
Genome position (GRCh38, 1-based): chr1:183,223,203, G>C. VCF-style: chr1-183223203-G-C. GRCh37 (hg19) VCF-style: chr1-183192338-G-C.
Other names: c.832G>C, p.Gly278Arg (NM_018891.3); short protein forms G278R.
Identifiers: ClinVar variation 2071946 (VCV002071946.3), dbSNP rs150293100, ClinGen allele CA1282447.

ClinVar aggregate classification (germline): Uncertain significance. Review status: criteria provided, multiple submitters, no conflicts (2 of 4 stars). 3 submissions from 3 submitters: Uncertain significance (3). Last evaluated 2026-01-13.

Conditions:
Inborn genetic diseases. Identifiers: MedGen C0950123, MeSH D030342.
LAMC2-related disorder. Also called: LAMC2-related condition.

Allele frequency attached by ClinVar (database versions not stated): ESP Exome Variant Server 0.00023; TOPMed 0.00029.
gnomAD v4.1: 71 of 1,614,010 alleles (0.0044%); highest among the groups gnomAD compares: African/African-American, 0.084%; no homozygotes.

Submissions (3):

PreventionGenetics, part of Exact Sciences
Classification: Uncertain significance for LAMC2-related condition. Last evaluated: 2026-01-13. Review status: criteria provided, single submitter. Criteria: ACMG Guidelines, 2015. Collection method: clinical testing. Allele origin: germline.
Comment: The LAMC2 c.832G>C variant is predicted to result in the amino acid substitution p.Gly278Arg. To our knowledge, this variant has not been reported in the literature. This variant is reported in 0.076% of alleles in individuals of African descent in gnomAD, which is likely too common for an undocumented disease-causing variant. Although we suspect that this variant may be benign, at this time, the clinical significance of this variant is uncertain due to the absence of conclusive functional and genetic evidence.

Labcorp Genetics (formerly Invitae), Labcorp
Classification: Uncertain significance. Last evaluated: 2021-10-16. Review status: criteria provided, single submitter. Criteria: Invitae Variant Classification Sherloc (09022015). Collection method: clinical testing. Allele origin: germline.
Comment: This sequence change replaces glycine with arginine at codon 278 of the LAMC2 protein (p.Gly278Arg). The glycine residue is highly conserved and there is a moderate physicochemical difference between glycine and arginine. This variant is present in population databases (rs150293100, ExAC 0.1%). This variant has not been reported in the literature in individuals with LAMC2-related disease. Algorithms developed to predict the effect of missense changes on protein structure and function (SIFT, PolyPhen-2, Align-GVGD) all suggest that this variant is likely to be disruptive, but these predictions have not been confirmed by published functional studies and their clinical significance is uncertain. In summary, the available evidence is currently insufficient to determine the role of this variant in disease. Therefore, it has been classified as a Variant of Uncertain Significance.

Ambry Genetics
Classification: Uncertain significance for Inborn genetic diseases. Last evaluated: 2021-07-09. Review status: criteria provided, single submitter. Criteria: Ambry Variant Classification Scheme 2023. Collection method: clinical testing. Allele origin: germline.